The following is an entry in ClinVar:

ClinVar aggregate classification (germline): Pathogenic. Review status: criteria provided, single submitter (1 of 4 stars). 2 submissions from 2 submitters: Pathogenic (1). 1 of the submissions does not count toward it. Last evaluated 2025-12-19.

Conditions:
ANK1-related disorder. Also called: ANK1-related condition.

Submissions (2):

Labcorp Genetics (formerly Invitae), Labcorp
Classification: Pathogenic. Last evaluated: 2025-12-19. Review status: criteria provided, single submitter. Criteria: Invitae Variant Classification Sherloc (09022015). Collection method: clinical testing. Allele origin: germline.
Comment: This sequence change creates a premature translational stop signal (p.Arg249Hisfs*11) in the ANK1 gene. It is expected to result in an absent or disrupted protein product. Loss-of-function variants in ANK1 are known to be pathogenic (PMID: 8640229). This variant is not present in population databases (gnomAD no frequency). This variant has not been reported in the literature in individuals affected with ANK1-related conditions. ClinVar contains an entry for this variant (Variation ID: 2633033). For these reasons, this variant has been classified as Pathogenic.

PreventionGenetics, part of Exact Sciences
Classification: Pathogenic for ANK1-related condition. Last evaluated: 2024-05-14. Review status: no assertion criteria provided. Collection method: clinical testing. Allele origin: germline. Not counted in ClinVar's aggregate classification.
Comment: The ANK1 c.725_744dup20 variant is predicted to result in a frameshift and premature protein termination (p.Arg249Hisfs*11). To our knowledge, this variant has not been reported in the literature or in a large population database, indicating this variant is rare. Frameshift variants in ANK1 are expected to be pathogenic. This variant is interpreted as pathogenic.

Literature cited by the submitters: PubMed 8640229 (cited by Labcorp Genetics (formerly Invitae), Labcorp).

NM_000037.4(ANK1):c.725_744dup (p.Arg249fs)

Gene: ANK1 (ankyrin 1; minus strand). Cytogenetic location: 8p11.21.
Variant type: Duplication.
Coding change: c.725_744dup on transcript NM_000037.4 (MANE Select); coding-DNA positions 725 to 744, 20 bases duplicated (CACTGCACATCGCCTCCCGC).
Protein change: p.Arg249fs; shifts the reading frame from arginine 249.
Molecular consequence: frameshift variant.
Genome position (GRCh38, 1-based): chr8:41,723,601-41,723,620, GCGGGAGGCGATGTGCAGTG duplicated on the plus strand (CACTGCACATCGCCTCCCGC on the coding strand, the reverse complement: ANK1 is on the minus strand); duplicating any 20 consecutive bases within chr8:41,723,601-41,723,623 gives the same sequence; the c. name uses the placement nearest the transcript's 3' end. VCF-style (leftmost placement, unchanged base first): chr8-41723600-T-TGCGGGAGGCGATGTGCAGTG. GRCh37 (hg19) VCF-style: chr8-41581118-T-TGCGGGAGGCGATGTGCAGTG.
Other names: c.824_843dup, p.Arg282fs (NM_001142446.2); c.725_744dup, p.Arg249fs (NM_020475.3, NM_020476.3, NM_020477.3); short protein forms R249fs, R282fs.
Identifiers: ClinVar variation 2633033 (VCV002633033.3), dbSNP rs2486967209, ClinGen allele CA2695199674.